The following is an entry in ClinVar:

ClinVar aggregate classification (germline): Likely pathogenic (1 of 4 stars; one submission).

Conditions:
Neuronal ceroid lipofuscinosis 7 (CLN7). Also called: MFSD8-Related Neuronal Ceroid-Lipofuscinosis. Identifiers: Orphanet 168491, Orphanet 228366, MedGen C1838571, MONDO:0012588, OMIM 610951.

Submission:

Labcorp Genetics (formerly Invitae), Labcorp
Classification: Likely pathogenic for Neuronal ceroid lipofuscinosis 7. Last evaluated: 2021-11-08. Review status: criteria provided, single submitter. Criteria: Invitae Variant Classification Sherloc (09022015). Collection method: clinical testing. Allele origin: germline.
Comment: In summary, the currently available evidence indicates that the variant is pathogenic, but additional data are needed to prove that conclusively. Therefore, this variant has been classified as Likely Pathogenic. This variant has not been reported in the literature in individuals affected with MFSD8-related conditions. This variant results in a copy number gain of the genomic region encompassing exon(s) 4 of the MFSD8 gene. While the exact position of this variant cannot be determined from the data, sub-genic copy number gains are generally in tandem (PMID: 25640679). This variant is predicted to be out-of-frame, and may result in an absent or disrupted protein product. Loss-of-function variants in MFSD8 are known to be pathogenic (PMID: 19177532, 25227500, 28586915).

Literature cited by the submitters: PubMed 25640679; PubMed 19177532; PubMed 25227500; PubMed 28586915.

NC_000004.11:g.(?_128870949)_(128871012_?)dup

Gene: MFSD8 (major facilitator superfamily domain containing 8; minus strand). Cytogenetic location: 4q28.2.
Variant type: Duplication.
Identifiers: ClinVar variation 1347670 (VCV001347670.4).